The following is an entry in ClinVar:

NM_022124.6(CDH23):c.6925del (p.Ala2309fs)

Gene: CDH23 (cadherin related 23; plus strand). Cytogenetic location: 10q22.1.
Variant type: Deletion.
Coding change: c.6925del on transcript NM_022124.6 (MANE Select); coding-DNA position 6925, one base deleted (G; older notation c.6925delG).
Protein change: p.Ala2309fs; shifts the reading frame from alanine 2309.
Molecular consequence: frameshift variant.
Genome position (GRCh38, 1-based): chr10:71,798,449, G deleted; the last of 5 consecutive G bases (chr10:71,798,445-71,798,449); deleting any one gives the same sequence. VCF-style (leftmost placement, unchanged base first): chr10-71798444-AG-A. GRCh37 (hg19) VCF-style: chr10-73558201-AG-A.
Other names: c.6925del (NM_022124.5); c.205del, p.Ala69fs (NM_001171933.1, NM_001171934.1); short protein forms A2309fs, A69fs.
Identifiers: ClinVar variation 2128803 (VCV002128803.5), dbSNP rs2494400205, ClinGen allele CA2580081842.
Genomic context (GRCh38, chr10:71,798,444, plus strand): 5'-ATGACAATACGCCCCAGTTCAAGCCCTTTGGGATCACCTACTACATGGAGCGGATCCTGG[AG>A]GGGGCCACCCCTGGGACCACACTCATTGCTGTGGCAGCCGTGGACCCTGACAAGGGCCTT-3'

ClinVar aggregate classification (germline): Pathogenic/Likely pathogenic. Review status: criteria provided, multiple submitters, no conflicts (2 of 4 stars). 2 submissions from 2 submitters: Pathogenic (1); Likely pathogenic (1). Last evaluated 2025-10-15.

Conditions:
Usher syndrome type 1 (USH1). Also called: RETINITIS PIGMENTOSA AND CONGENITAL DEAFNESS. Identifiers: Orphanet 231169, Orphanet 886, MedGen C1568247, MONDO:0010168, OMIM 276900.

Submissions (2):

Natera, Inc.
Classification: Likely pathogenic for Usher syndrome type 1. Last evaluated: 2025-10-15. Review status: criteria provided, single submitter. Criteria: Natera Variant Classification Schema (03/2026). Collection method: clinical testing. Allele origin: germline.
Comment: The c.6925del variant in CDH23 is a frameshift variant predicted to shift the reading frame beginning at codon 2309 and leads to a stop codon 64 codons downstream. This variant is expected to result in nonsense mediated decay, truncation, or a dysfunctional protein product. This variant is rare in the general population with a frequency below the threshold expected for the associated phenotype(s). Given the available evidence, this variant is classified as Likely Pathogenic.

Labcorp Genetics (formerly Invitae), Labcorp
Classification: Pathogenic. Last evaluated: 2022-04-27. Review status: criteria provided, single submitter. Criteria: Invitae Variant Classification Sherloc (09022015). Collection method: clinical testing. Allele origin: germline.
Comment: This variant has not been reported in the literature in individuals affected with CDH23-related conditions. For these reasons, this variant has been classified as Pathogenic. This variant is not present in population databases (gnomAD no frequency). This sequence change creates a premature translational stop signal (p.Ala2309Profs*64) in the CDH23 gene. It is expected to result in an absent or disrupted protein product. Loss-of-function variants in CDH23 are known to be pathogenic (PMID: 11138009, 21940737).

Literature cited by the submitters: PubMed 11138009 (cited by Labcorp Genetics (formerly Invitae), Labcorp); PubMed 21940737 (cited by Labcorp Genetics (formerly Invitae), Labcorp).